The following is an entry in ClinVar:

ClinVar aggregate classification (germline): Uncertain significance (1 of 4 stars; one submission).

Conditions:
Emery-Dreifuss muscular dystrophy 4, autosomal dominant (EDMD4). Also called: EMERY-DREIFUSS MUSCULAR DYSTROPHY 4 WITH VARIABLE FEATURES. Identifiers: Orphanet 261, MedGen C2751807, MONDO:0013071, OMIM 612998.
Autosomal recessive ataxia, Beauce type. Also called: SYNE1 Deficiency; Spinocerebellar ataxia, autosomal recessive 8; ATAXIA, RECESSIVE, OF BEAUCE; SYNE1-Related Autosomal Recessive Cerebellar Ataxia. Identifiers: Orphanet 88644, MedGen C1853116, MONDO:0012549, OMIM 610743.

Allele frequency attached by ClinVar (database versions not stated): TOPMed 0.00001; gnomAD 0.00001.
gnomAD v4.1: 9 of 1,614,064 alleles (0.00056%); highest among the groups gnomAD compares: Admixed American, 0.0017%; no homozygotes.

Submission:

Labcorp Genetics (formerly Invitae), Labcorp
Classification: Uncertain significance for Emery-Dreifuss muscular dystrophy 4, autosomal dominant; Autosomal recessive ataxia, Beauce type. Last evaluated: 2022-11-08. Review status: criteria provided, single submitter. Criteria: Invitae Variant Classification Sherloc (09022015). Collection method: clinical testing. Allele origin: germline.
Comment: In summary, the available evidence is currently insufficient to determine the role of this variant in disease. Therefore, it has been classified as a Variant of Uncertain Significance. Algorithms developed to predict the effect of missense changes on protein structure and function output the following: SIFT: "Tolerated"; PolyPhen-2: "Benign"; Align-GVGD: "Class C0". The isoleucine amino acid residue is found in multiple mammalian species, which suggests that this missense change does not adversely affect protein function. This variant has not been reported in the literature in individuals affected with SYNE1-related conditions. This variant is present in population databases (no rsID available, gnomAD 0.003%). This sequence change replaces valine, which is neutral and non-polar, with isoleucine, which is neutral and non-polar, at codon 5589 of the SYNE1 protein (p.Val5589Ile).

NM_182961.4(SYNE1):c.16978G>A (p.Val5660Ile)

Genes: SYNE1 (spectrin repeat containing nuclear envelope protein 1; minus strand), LOC126859837 (BRD4-independent group 4 enhancer GRCh37_chr6:152630775-152631974; plus strand). Cytogenetic location: 6q25.2.
Variant type: single nucleotide variant.
Coding change: c.16978G>A on transcript NM_182961.4 (MANE Select); coding-DNA position 16978, G replaced by A.
Protein change: p.Val5660Ile; replaces valine 5660 with isoleucine.
Molecular consequence: missense variant.
Genome position (GRCh38, 1-based): chr6:152,310,437, C>T on the plus strand (G>A on the coding strand, the complement: SYNE1 is on the minus strand). VCF-style: chr6-152310437-C-T. GRCh37 (hg19) VCF-style: chr6-152631572-C-T.
Other names: c.16765G>A, p.Val5589Ile (NM_033071.5); short protein forms V5589I, V5660I.
Identifiers: ClinVar variation 1946906 (VCV001946906.5), dbSNP rs1055375511, ClinGen allele CA150206159.